The following is an entry in ClinVar:

ClinVar aggregate classification (germline): Uncertain significance (1 of 4 stars; one submission).

Conditions:
Multiple endocrine neoplasia, type 2 (MEN2). Identifiers: Orphanet 653, MedGen C4048306, MONDO:0019003. Disease mechanism: gain of function.

Submission:

Labcorp Genetics (formerly Invitae), Labcorp
Classification: Uncertain significance for Multiple endocrine neoplasia, type 2. Last evaluated: 2022-08-19. Review status: criteria provided, single submitter. Criteria: Invitae Variant Classification Sherloc (09022015). Collection method: clinical testing. Allele origin: germline.
Comment: In summary, the available evidence is currently insufficient to determine the role of this variant in disease. Therefore, it has been classified as a Variant of Uncertain Significance. Algorithms developed to predict the effect of missense changes on protein structure and function are either unavailable or do not agree on the potential impact of this missense change (SIFT: "Deleterious"; PolyPhen-2: "Benign"; Align-GVGD: "Class C0"). ClinVar contains an entry for this variant (Variation ID: 1413907). This variant has not been reported in the literature in individuals affected with RET-related conditions. This variant is not present in population databases (gnomAD no frequency). This sequence change replaces valine, which is neutral and non-polar, with alanine, which is neutral and non-polar, at codon 1041 of the RET protein (p.Val1041Ala).

NM_020975.6(RET):c.3122T>C (p.Val1041Ala)

Gene: RET (ret proto-oncogene; plus strand). Cytogenetic location: 10q11.21.
Variant type: single nucleotide variant.
Coding change: c.3122T>C on transcript NM_020975.6 (MANE Select); coding-DNA position 3122, T replaced by C.
Protein change: p.Val1041Ala; replaces valine 1041 with alanine.
Molecular consequence: missense variant.
Genome position (GRCh38, 1-based): chr10:43,126,657, T>C. VCF-style: chr10-43126657-T-C. GRCh37 (hg19) VCF-style: chr10-43622105-T-C.
Other names: c.3122T>C, p.Val1041Ala (NM_000323.2, NM_001406743.1, NM_001406744.1 and 4 more transcripts); c.2360T>C, p.Val787Ala (NM_001355216.2); c.2993T>C, p.Val998Ala (NM_001406761.1, NM_001406762.1, NM_001406764.1); c.2987T>C, p.Val996Ala (NM_001406763.1, NM_001406765.1); c.2834T>C, p.Val945Ala (NM_001406766.1, NM_001406767.1, NM_001406770.1); c.2858T>C, p.Val953Ala (NM_001406768.1); c.2726T>C, p.Val909Ala (NM_001406769.1, NM_001406772.1); c.2684T>C, p.Val895Ala (NM_001406771.1, NM_001406773.1); and 10 more; short protein forms V787A, V1041A, V558A, V646A, V697A, V953A, V998A, V702A.
Identifiers: ClinVar variation 1413907 (VCV001413907.9), dbSNP rs1554820165, ClinGen allele CA376558437.
Genomic context (GRCh38, chr10:43,126,657, plus strand): 5'-CCACTCCATCTGACTCCCTGATTTATGACGACGGCCTCTCAGAGGAGGAGACACCGCTGG[T>C]GGACTGTAATAATGCCCCCCTCCCTCGAGCCCTCCCTTCCACATGGATTGAAAACAAACT-3'
Protein context (NP_066124.1, residues 1031-1051): DGLSEEETPL[Val1041Ala]DCNNAPLPRA